The following is an entry in ClinVar:

ClinVar aggregate classification (germline): Pathogenic. Review status: criteria provided, single submitter (1 of 4 stars). 2 submissions from 2 submitters: Pathogenic (1). 1 of the submissions does not count toward it. Last evaluated 2016-12-12.

Conditions:
Tuberous sclerosis 2 (TSC2). Identifiers: Orphanet 805, MedGen C1860707, MONDO:0013199, OMIM 613254.
Tuberous sclerosis syndrome (TSC). Also called: Tuberous Sclerosis Complex; Tuberous sclerosis. Identifiers: Orphanet 805, MedGen C0041341, MONDO:0001734.

Submissions (2):

Labcorp Genetics (formerly Invitae), Labcorp
Classification: Pathogenic for Tuberous sclerosis 2. Last evaluated: 2016-12-12. Review status: criteria provided, single submitter. Criteria: Invitae Variant Classification Sherloc (09022015). Collection method: clinical testing. Allele origin: germline.
Comment: For these reasons, this variant has been classified as Pathogenic. Loss-of-function variants in TSC2 are known to be pathogenic. This particualr variant has been reported in individuals affected with tuberous sclerosis in the Leiden Open-source Variation Database (TSC2-LOVD)(PMID: 21520333). This sequence change affects a donor splice site in intron 14 of the TSC2 gene. It is expected to disrupt RNA splicing and likely results in an absent or disrupted protein product.

Tuberous sclerosis database (TSC2)
No classification provided. Condition: TSC. Review status: no classification provided. Criteria: Tuberous Sclerosis Database Assertion Criteria 2015. Collection method: curation. Allele origin: germline. Affected: yes. Not counted in ClinVar's aggregate classification.

Literature cited by the submitters: PubMed 21520333 (cited by Labcorp Genetics (formerly Invitae), Labcorp).

NM_000548.5(TSC2):c.1443+1G>T

Gene: TSC2 (TSC complex subunit 2; plus strand). Cytogenetic location: 16p13.3.
Variant type: single nucleotide variant.
Coding change: c.1443+1G>T on transcript NM_000548.5 (MANE Select); the canonical splice donor site of the intron after coding-DNA position 1443, G replaced by T.
Molecular consequence: splice donor variant. On other transcripts: intron variant (1).
Genome position (GRCh38, 1-based): chr16:2,063,054, G>T. VCF-style: chr16-2063054-G-T. GRCh37 (hg19) VCF-style: chr16-2113055-G-T.
Other names: c.99+1G>T (NM_001406693.1, NM_001406689.1, NM_001406690.1 and 6 more transcripts); c.1533+1G>T (NM_001406667.1, NM_001406668.1); c.843+1G>T (NM_001406680.1, NM_001406683.1, NM_001406687.1 and 6 more transcripts); c.-160+454G>T (NM_001406698.1); c.1443+1G>T (NM_001114382.3, NM_001406663.1, NM_001406664.1 and 6 more transcripts); c.1431+1G>T (NM_001406671.1, NM_001406673.1); c.981+1G>T (NM_001406681.1); c.1332+1G>T (NM_001406670.1, NM_001318827.2, NM_001406678.1); and 3 more.
Identifiers: ClinVar variation 65346 (VCV000065346.8), dbSNP rs397515257, ClinGen allele CA014818.